The following is an entry in ClinVar:

NM_000548.5(TSC2):c.1599+19G>A

Gene: TSC2 (TSC complex subunit 2; plus strand). Cytogenetic location: 16p13.3.
Variant type: single nucleotide variant.
Coding change: c.1599+19G>A on transcript NM_000548.5 (MANE Select); 19 bases into the intron after coding-DNA position 1599, G replaced by A.
Molecular consequence: intron variant.
Genome position (GRCh38, 1-based): chr16:2,064,446, G>A. VCF-style: chr16-2064446-G-A. GRCh37 (hg19) VCF-style: chr16-2114447-G-A.
Other names: c.1599+19G>A (NM_001114382.3, NM_021055.3, NM_001370405.1 and 3 more transcripts); c.1488+19G>A (NM_001318827.2); c.999+19G>A (NM_001318831.2); c.1452+19G>A (NM_001318829.2); c.1632+19G>A (NM_001318832.2).
Identifiers: ClinVar variation 207660 (VCV000207660.7), dbSNP rs777632769, ClinGen allele CA031258.
Genomic context (GRCh38, chr16:2,064,446, plus strand): 5'-CACACACACCACTTCAACAGCCTGCTGGACATCATCGAGAAGGTGAGAGCCGTTGTACCC[G>A]GGGCCGGGTGCTAGCGTGCCAGAGCTCCGTGGGCAGCAATGGCCTCTGGGCCCTCTGTCC-3'

ClinVar aggregate classification (germline): Conflicting classifications of pathogenicity. Review status: criteria provided, conflicting classifications (1 of 4 stars). 3 submissions from 3 submitters: Uncertain significance (1); Benign (1); Likely benign (1). Last evaluated 2026-01-25.

Conditions:
Tuberous sclerosis 2 (TSC2). Identifiers: Orphanet 805, MedGen C1860707, MONDO:0013199, OMIM 613254.
Lymphangiomyomatosis (LAM). Also called: Lymphangioleiomyomatosis; Lymphangioleiomyomatosis, somatic. Identifiers: Orphanet 538, MedGen C0751674, MONDO:0011705, OMIM 606690.
Isolated focal cortical dysplasia type II (FCORD2). Also called: CORTICAL DYSPLASIA OF TAYLOR; Focal cortical dysplasia type II. Identifiers: Orphanet 268994, MedGen C1846385, MONDO:0011818, OMIM 607341, HP:0032051.

Allele frequency attached by ClinVar (database versions not stated): gnomAD 0.00001; gnomAD exomes 0.00001; ExAC 0.00002; TOPMed 0.00002.
gnomAD v4.1: 18 of 1,612,384 alleles (0.0011%); highest among the groups gnomAD compares: East Asian, 0.011%; no homozygotes.

Submissions (3):

Labcorp Genetics (formerly Invitae), Labcorp
Classification: Likely benign for Tuberous sclerosis 2. Last evaluated: 2026-01-25. Review status: criteria provided, single submitter. Criteria: Invitae Variant Classification Sherloc (09022015). Collection method: clinical testing. Allele origin: germline.

Fulgent Genetics
Classification: Uncertain significance for Lymphangiomyomatosis; Isolated focal cortical dysplasia type II; Tuberous sclerosis 2. Last evaluated: 2024-02-07. Review status: criteria provided, single submitter. Criteria: ACMG Guidelines, 2015. Collection method: clinical testing. Allele origin: germline.

GeneDx
Classification: Benign. Last evaluated: 2014-10-03. Review status: criteria provided, single submitter. Criteria: GeneDx Variant Classification (06012015). Collection method: clinical testing. Allele origin: germline. Affected: yes.
Comment: This variant is considered likely benign or benign based on one or more of the following criteria: it is a conservative change, it occurs at a poorly conserved position in the protein, it is predicted to be benign by multiple in silico algorithms, and/or has population frequency not consistent with disease.